The following is an entry in ClinVar:

NM_024642.5(GALNT12):c.501G>A (p.Leu167=)

Gene: GALNT12 (polypeptide N-acetylgalactosaminyltransferase 12; plus strand). Cytogenetic location: 9q22.33.
Variant type: single nucleotide variant.
Coding change: c.501G>A on transcript NM_024642.5 (MANE Select); coding-DNA position 501, G replaced by A.
Protein change: p.Leu167=; no amino-acid change (leucine 167 retained).
Molecular consequence: synonymous variant.
Genome position (GRCh38, 1-based): chr9:98,823,385, G>A. VCF-style: chr9-98823385-G-A. GRCh37 (hg19) VCF-style: chr9-101585667-G-A.
Identifiers: ClinVar variation 1134605 (VCV001134605.10), dbSNP rs200879096, ClinGen allele CA466423606.

ClinVar aggregate classification (germline): Benign/Likely benign. Review status: criteria provided, multiple submitters, no conflicts (2 of 4 stars). 2 submissions from 2 submitters: Benign (1); Likely benign (1). Last evaluated 2026-04-23.

Conditions:
Colorectal cancer, susceptibility to, 1. Also called: COLORECTAL ADENOMA AND CANCER, SUSCEPTIBILITY TO; COLORECTAL CANCER, SUSCEPTIBILITY TO, ON CHROMOSOME 9. Identifiers: MedGen C1837315, MONDO:0012132, OMIM 608812.

gnomAD v4.1: 1 of 1,614,218 alleles (0.000062%); highest among the groups gnomAD compares: Non-Finnish European, 0.000085%; no homozygotes.

Submissions (2):

Myriad Genetics, Inc.
Classification: Benign for Colorectal cancer, susceptibility to, 1. Last evaluated: 2026-04-23. Review status: criteria provided, single submitter. Criteria: Myriad Autosomal Dominant, Autosomal Recessive and X-Linked Classification Criteria (2023). Collection method: clinical testing. Allele origin: unknown.
Comment: This variant is considered benign. This variant is a silent/synonymous amino acid change and it is not expected to impact splicing.

Labcorp Genetics (formerly Invitae), Labcorp
Classification: Likely benign. Last evaluated: 2020-07-24. Review status: criteria provided, single submitter. Criteria: Invitae Variant Classification Sherloc (09022015). Collection method: clinical testing. Allele origin: germline.